The following is an entry in ClinVar:

NM_019892.6(INPP5E):c.655T>G (p.Tyr219Asp)

Gene: INPP5E (inositol polyphosphate-5-phosphatase E; minus strand). Cytogenetic location: 9q34.3.
Variant type: single nucleotide variant.
Coding change: c.655T>G on transcript NM_019892.6 (MANE Select); coding-DNA position 655, T replaced by G.
Protein change: p.Tyr219Asp; replaces tyrosine 219 with aspartic acid.
Molecular consequence: missense variant.
Genome position (GRCh38, 1-based): chr9:136,438,765, A>C on the plus strand (T>G on the coding strand, the complement: INPP5E is on the minus strand). VCF-style: chr9-136438765-A-C. GRCh37 (hg19) VCF-style: chr9-139333217-A-C.
Other names: c.655T>G, p.Tyr219Asp (NM_001318502.2); c.655T>G (NM_019892.5, NM_019892.4); short protein forms Y219D.
Identifiers: ClinVar variation 1017202 (VCV001017202.9), dbSNP rs374690864, ClinGen allele CA5337112.

ClinVar aggregate classification (germline): Uncertain significance. Review status: criteria provided, multiple submitters, no conflicts (2 of 4 stars). 4 submissions from 4 submitters: Uncertain significance (3). 1 of the submissions does not count toward it. Last evaluated 2024-05-17.

Conditions:
Inborn genetic diseases. Identifiers: MedGen C0950123, MeSH D030342.
MORM syndrome (MORMS). Identifiers: Orphanet 75858, MedGen C1857802, MONDO:0012423, OMIM 610156.
Joubert syndrome 1 (JBTS1). Also called: Cerebellooculorenal syndrome 1; CEREBELLOPARENCHYMAL DISORDER IV. Identifiers: MedGen C4551568, MONDO:0008944, OMIM 213300.
INPP5E-related disorder. Also called: INPP5E-related condition.
Joubert syndrome. Also called: JOUBERT-BOLTSHAUSER SYNDROME; Familial aplasia of the vermis. Identifiers: Orphanet 475, MedGen C5979921, MONDO:0018772.

Allele frequency attached by ClinVar (database versions not stated): gnomAD 0.00004 and 0.00005; gnomAD exomes 0.00007 and 0.00014; TOPMed 0.00007; ExAC 0.00008; ESP Exome Variant Server 0.00015.

Submissions (4):

Labcorp Genetics (formerly Invitae), Labcorp
Classification: Uncertain significance for Joubert syndrome. Last evaluated: 2024-05-17. Review status: criteria provided, single submitter. Criteria: Invitae Variant Classification Sherloc (09022015). Collection method: clinical testing. Allele origin: germline.
Comment: This sequence change replaces tyrosine, which is neutral and polar, with aspartic acid, which is acidic and polar, at codon 219 of the INPP5E protein (p.Tyr219Asp). This variant is present in population databases (rs374690864, gnomAD 0.01%). This variant has not been reported in the literature in individuals affected with INPP5E-related conditions. ClinVar contains an entry for this variant (Variation ID: 1017202). Advanced modeling of protein sequence and biophysical properties (such as structural, functional, and spatial information, amino acid conservation, physicochemical variation, residue mobility, and thermodynamic stability) performed at Invitae indicates that this missense variant is not expected to disrupt INPP5E protein function with a negative predictive value of 95%. In summary, the available evidence is currently insufficient to determine the role of this variant in disease. Therefore, it has been classified as a Variant of Uncertain Significance.

Fulgent Genetics
Classification: Uncertain significance for Joubert syndrome 1; MORM syndrome. Last evaluated: 2024-04-25. Review status: criteria provided, single submitter. Criteria: ACMG Guidelines, 2015. Collection method: clinical testing. Allele origin: germline.

Ambry Genetics
Classification: Uncertain significance for Inborn genetic diseases. Last evaluated: 2024-01-03. Review status: criteria provided, single submitter. Criteria: Ambry Variant Classification Scheme 2023. Collection method: clinical testing. Allele origin: germline.

PreventionGenetics, part of Exact Sciences
Classification: Uncertain significance for INPP5E-related condition. Last evaluated: 2024-05-08. Review status: no assertion criteria provided. Collection method: clinical testing. Allele origin: germline. Not counted in ClinVar's aggregate classification.
Comment: The INPP5E c.655T>G variant is predicted to result in the amino acid substitution p.Tyr219Asp. To our knowledge, this variant has not been reported in the literature. This variant is reported in 0.015% of alleles in individuals of European (Non-Finnish) descent in gnomAD. At this time, the clinical significance of this variant is uncertain due to the absence of conclusive functional and genetic evidence.